The following is an entry in ClinVar:

NM_144997.7(FLCN):c.1525G>A (p.Glu509Lys)

Gene: FLCN (folliculin; minus strand). Cytogenetic location: 17p11.2.
Variant type: single nucleotide variant.
Coding change: c.1525G>A on transcript NM_144997.7 (MANE Select); coding-DNA position 1525, G replaced by A.
Protein change: p.Glu509Lys; replaces glutamic acid 509 with lysine.
Molecular consequence: missense variant.
Genome position (GRCh38, 1-based): chr17:17,214,998, C>T on the plus strand (G>A on the coding strand, the complement: FLCN is on the minus strand). VCF-style: chr17-17214998-C-T. GRCh37 (hg19) VCF-style: chr17-17118312-C-T.
Other names: c.1579G>A, p.Glu527Lys (NM_001353229.2); c.1525G>A, p.Glu509Lys (NM_001353230.2, NM_001353231.2); short protein forms E509K, E527K.
Identifiers: ClinVar variation 819454 (VCV000819454.4), dbSNP rs1597578645, ClinGen allele CA398530721.

ClinVar aggregate classification (germline): Uncertain significance (1 of 4 stars; one submission).

Conditions:
Hereditary cancer-predisposing syndrome. Also called: Tumor predisposition; Hereditary neoplastic syndrome; Neoplastic Syndromes, Hereditary; Hereditary Cancer Syndrome. Identifiers: Orphanet 140162, MedGen C0027672, MeSH D009386, MONDO:0015356.

Submission:

Ambry Genetics
Classification: Uncertain significance for Hereditary cancer-predisposing syndrome. Last evaluated: 2019-01-14. Review status: criteria provided, single submitter. Criteria: Ambry Variant Classification Scheme 2023. Collection method: clinical testing. Allele origin: germline.
Comment: The p.E509K variant (also known as c.1525G>A), located in coding exon 10 of the FLCN gene, results from a G to A substitution at nucleotide position 1525. The glutamic acid at codon 509 is replaced by lysine, an amino acid with similar properties. This amino acid position is highly conserved in available vertebrate species. In addition, this alteration is predicted to be deleterious by in silico analysis. Since supporting evidence is limited at this time, the clinical significance of this alteration remains unclear.